The following is an entry in ClinVar:

ClinVar aggregate classification (germline): Likely pathogenic. Review status: reviewed by expert panel (3 of 4 stars). 2 submissions from 2 submitters: Likely pathogenic (1). 1 of the submissions does not count toward it. Last evaluated 2024-06-06.

Conditions:
Glanzmann thrombasthenia 2. Also called: BLEEDING DISORDER, PLATELET-TYPE, 23. Identifiers: MedGen C5543273, MONDO:0031009, OMIM 619267.
Bleeding disorder, platelet-type, 24. Also called: GLANZMANN THROMBASTHENIA-LIKE WITH MACROTHROMBOCYTOPENIA 2. Identifiers: MedGen C5543280, MONDO:0030996, OMIM 619271.
Glanzmann thrombasthenia. Also called: PLATELET GLYCOPROTEIN IIb-IIIa DEFICIENCY; Thrombasthenia; Glanzmann's thrombasthenia; BLEEDING DISORDER, PLATELET-TYPE, 2; THROMBASTHENIA OF GLANZMANN AND NAEGELI. Identifiers: Orphanet 849, MedGen C0040015, MONDO:0100326.

Allele frequency attached by ClinVar (database versions not stated): gnomAD exomes below 0.00001; ExAC 0.00001; TOPMed 0.00002; ESP Exome Variant Server 0.00008.
gnomAD v4.1: 2 of 1,614,118 alleles (0.00012%); highest among the groups gnomAD compares: Non-Finnish European, 0.00017%; no homozygotes.

Submissions (2):

ClinGen Platelet Disorders Variant Curation Expert Panel, ClinGen
Classification: Likely pathogenic for Glanzmann thrombasthenia. Last evaluated: 2024-06-06. Review status: reviewed by expert panel. Criteria: ClinGen Platelet ACMG Specifications v2-1. Collection method: curation. Allele origin: germline. Inheritance: Autosomal recessive inheritance.
Comment: The 563C>T variant in ITGB3 is a missense variant predicted to cause substitution of Serine by Leucine at amino acid 188 (p.Ser188Leu). Surface expression of αIIbβ3 measured by Western blot in COS-7 cells transiently co-transfected with Ser188 β3 (wild type) and Leu188 β3 (mutant) showed absent immunoprecipitation, indicating that this variant impacts protein function (PMID: 9684783)(PS3). At least one patient (Patient BL in PMID: 9684783) with this variant displayed mucocutaneous bleeding and impaired aggregation with all agonists except ristocetin, which is highly specific for Glanzmann thrombasthenia (PP4_Moderate). The GT patient from PMID: 9684783 was homozygous for this variant (0.5 PM3 points, PM3_Supporting). The computational predictor REVEL gives a score of 0.771, which is above the ClinGen PD VCEP threshold of >0.7 and predicts a damaging effect on function (PP3). The highest population minor allele frequency in gnomAD v4.1.0 is 0.000001695 (2/1180026 alleles) in the European (Non-Finnish) population, which is lower than the ClinGen PD VCEP threshold (<0.0001; PM2_Supporting). In summary, this variant meets the criteria to be classified as Likely Pathogenic for autosomal recessive Glanzmann Thrombasthenia based on the ACMG/AMP criteria applied, as specified by the ClinGen PD VCEP: PS3, PP3, PP4_Moderate, PM2_Supporting and PM3_Supporting (VCEP specifications version 2; date of approval 06/06/2024).

Department of Pathology and Laboratory Medicine, Sinai Health System
Classification: Uncertain significance for Glanzmann thrombasthenia 2; Bleeding disorder, platelet-type, 24. Last evaluated: 2021-11-22. Review status: criteria provided, single submitter. Criteria: ACMG Guidelines, 2015. Collection method: research. Allele origin: germline. Not counted in ClinVar's aggregate classification.

Literature cited by the submitters: PubMed 11806996 (cited by ClinGen Platelet Disorders Variant Curation Expert Panel, ClinGen).

NM_000212.3(ITGB3):c.563C>T (p.Ser188Leu)

Gene: ITGB3 (integrin subunit beta 3; plus strand). Cytogenetic location: 17q21.32.
Variant type: single nucleotide variant.
Coding change: c.563C>T on transcript NM_000212.3 (MANE Select); coding-DNA position 563, C replaced by T.
Protein change: p.Ser188Leu; replaces serine 188 with leucine.
Molecular consequence: missense variant.
Genome position (GRCh38, 1-based): chr17:47,284,644, C>T. VCF-style: chr17-47284644-C-T. GRCh37 (hg19) VCF-style: chr17-45362010-C-T.
Other names: NM_000212.3:c.563C>T; short protein forms S188L.
Identifiers: ClinVar variation 3242406 (VCV003242406.2), dbSNP rs143146734.